The following is an entry in ClinVar:

NM_001519.4(BRF1):c.471+60C>T

Gene: BRF1 (BRF1 general transcription factor IIIB subunit; minus strand). Cytogenetic location: 14q32.33.
Variant type: single nucleotide variant.
Coding change: c.471+60C>T on transcript NM_001519.4 (MANE Select); 60 bases into the intron after coding-DNA position 471, C replaced by T.
Molecular consequence: intron variant. On other transcripts: synonymous variant (1).
Genome position (GRCh38, 1-based): chr14:105,256,458, G>A on the plus strand (C>T on the coding strand, the complement: BRF1 is on the minus strand). VCF-style: chr14-105256458-G-A. GRCh37 (hg19) VCF-style: chr14-105722795-G-A.
Other names: c.531C>T, p.Thr177= (NM_001242790.2); c.126+60C>T (NM_001242787.2, NM_001242786.2); c.390+60C>T (NM_001242788.2).
Identifiers: ClinVar variation 2644914 (VCV002644914.24), dbSNP rs138631228, ClinGen allele CA7388096.

ClinVar aggregate classification (germline): Likely benign (1 of 4 stars; one submission).

Allele frequency attached by ClinVar (database versions not stated): ESP Exome Variant Server 0.00153; ExAC 0.00197; 1000 Genomes Project 30x 0.00062; 1000 Genomes Project 0.00080.
gnomAD v4.1: 2,946 of 1,613,908 alleles (0.18%); highest among the groups gnomAD compares: Non-Finnish European, 0.18%; 14 homozygotes.

Submission:

CeGaT Center for Human Genetics Tuebingen
Classification: Likely benign. Last evaluated: 2026-09-01. Review status: criteria provided, single submitter. Criteria: CeGaT Center For Human Genetics Tuebingen Variant Classification Criteria Version 2. Collection method: clinical testing. Allele origin: germline. Affected: yes. Observed: 5 variant alleles.
Comment: BRF1: BP4, BP7